The following is an entry in ClinVar:

NM_153460.4(IL17RC):c.508G>A (p.Glu170Lys)

Gene: IL17RC (interleukin 17 receptor C; plus strand). Cytogenetic location: 3p25.3.
Variant type: single nucleotide variant.
Coding change: c.508G>A on transcript NM_153460.4 (MANE Select); coding-DNA position 508, G replaced by A.
Protein change: p.Glu170Lys; replaces glutamic acid 170 with lysine.
Molecular consequence: missense variant. On other transcripts: non-coding transcript variant (1).
Genome position (GRCh38, 1-based): chr3:9,920,533, G>A. VCF-style: chr3-9920533-G-A. GRCh37 (hg19) VCF-style: chr3-9962217-G-A.
Other names: c.508G>A, p.Glu170Lys (NM_001203263.2, NM_001203264.2, NM_001203265.2 and 4 more transcripts); c.433G>A, p.Glu145Lys (NM_001367279.1); c.721G>A, p.Glu241Lys (NM_153461.4); short protein forms E241K, E170K, E145K.
Identifiers: ClinVar variation 4722109 (VCV004722109.1).

ClinVar aggregate classification (germline): Uncertain significance (1 of 4 stars; one submission).

Conditions:
Candidiasis, familial, 9 (CANDF9). Identifiers: Orphanet 1334, MedGen C4225324, MONDO:0014642, OMIM 616445.

gnomAD v4.1: 2 of 1,608,000 alleles (0.00012%); highest among the groups gnomAD compares: Non-Finnish European, 0.00017%; no homozygotes.

Submission:

Labcorp Genetics (formerly Invitae), Labcorp
Classification: Uncertain significance for Candidiasis, familial, 9. Last evaluated: 2025-08-26. Review status: criteria provided, single submitter. Criteria: Invitae Variant Classification Sherloc (09022015). Collection method: clinical testing. Allele origin: germline.
Comment: This sequence change replaces glutamic acid, which is acidic and polar, with lysine, which is basic and polar, at codon 241 of the IL17RC protein (p.Glu241Lys). This variant is not present in population databases (gnomAD no frequency). This variant has not been reported in the literature in individuals affected with IL17RC-related conditions. An algorithm developed to predict the effect of missense changes on protein structure and function (PolyPhen-2) suggests that this variant is likely to be disruptive. In summary, the available evidence is currently insufficient to determine the role of this variant in disease. Therefore, it has been classified as a Variant of Uncertain Significance.